The following is an entry in ClinVar:

ClinVar aggregate classification (germline): Pathogenic/Likely pathogenic. Review status: criteria provided, multiple submitters, no conflicts (2 of 4 stars). 9 submissions from 8 submitters: Pathogenic (5); Likely pathogenic (1). 3 of the submissions do not count toward it. Last evaluated 2025-08-06.

Conditions:
EVC-related disorder. Also called: EVC-related disorders; EVC-related condition.
Curry-Hall syndrome (WAD). Also called: WEYERS ACRODENTAL DYSOSTOSIS. Identifiers: Orphanet 952, MedGen C0457013, MONDO:0008673, OMIM 193530.
Ellis-van Creveld syndrome (EVC). Also called: Chondroectodermal dysplasia; MESOECTODERMAL DYSPLASIA. Identifiers: Orphanet 289, MedGen C0013903, MONDO:0009162, OMIM 225500.

Allele frequency attached by ClinVar (database versions not stated): gnomAD 0.00001 and 0.00002; gnomAD exomes 0.00002 and 0.00005; TOPMed 0.00003; ExAC 0.00007.
gnomAD v4.1: 30 of 1,613,994 alleles (0.0019%); highest among the groups gnomAD compares: Non-Finnish European, 0.0023%; no homozygotes.

Submissions (9):

Institute of Human Genetics, University of Leipzig Medical Center
Classification: Likely pathogenic for Ellis-van Creveld syndrome. Last evaluated: 2025-08-06. Review status: criteria provided, single submitter. Criteria: ACMG Guidelines, 2015. Collection method: clinical testing. Allele origin: maternal. Inheritance: Autosomal recessive inheritance. Affected: yes.
Comment: Criteria applied: PM3_STR,PM2,PP4

Blueprint Genetics
Classification: Pathogenic for EVC-related disorders. Last evaluated: 2024-10-29. Review status: criteria provided, single submitter. Criteria: ACMG Guidelines, 2015. Collection method: clinical testing. Allele origin: germline. Affected: yes. Observed: 5 variant alleles.

Labcorp Genetics (formerly Invitae), Labcorp
Classification: Pathogenic for Curry-Hall syndrome; Ellis-van Creveld syndrome. Last evaluated: 2024-10-24. Review status: criteria provided, single submitter. Criteria: Invitae Variant Classification Sherloc (09022015). Collection method: clinical testing. Allele origin: germline.
Comment: This sequence change replaces serine, which is neutral and polar, with proline, which is neutral and non-polar, at codon 307 of the EVC protein (p.Ser307Pro). This variant is present in population databases (rs121908426, gnomAD 0.01%). This missense change has been observed in individual(s) with EVC-related conditions (PMID: 10700184, 29321360). In at least one individual the data is consistent with being in trans (on the opposite chromosome) from a pathogenic variant. It has also been observed to segregate with disease in related individuals. ClinVar contains an entry for this variant (Variation ID: 5343). Invitae Evidence Modeling of protein sequence and biophysical properties (such as structural, functional, and spatial information, amino acid conservation, physicochemical variation, residue mobility, and thermodynamic stability) has been performed for this missense variant. However, the output from this modeling did not meet the statistical confidence thresholds required to predict the impact of this variant on EVC protein function. For these reasons, this variant has been classified as Pathogenic.

Natera, Inc.
Classification: Pathogenic for Ellis-van Creveld syndrome. Last evaluated: 2024-10-16. Review status: criteria provided, single submitter. Criteria: Natera Variant Classification Schema (03/2026). Collection method: clinical testing. Allele origin: germline.
Comment: The c.919T>C variant in EVC is a missense variant predicted to cause substitution of serine to proline at amino acid 307. This variant is rare in the general population with a frequency below the threshold expected for the associated phenotype(s). This variant has been observed in one or more individuals affected with the associated recessive disease, as either homozygous or compound heterozygous with a second variant (PMID: 17024374, 23220543, 29321360, 10700184). Additionally, this variant has been observed to segregate in affected family members (PMID: 29321360). Computational prediction algorithms indicate this variant is likely to affect gene or protein function. Given the available evidence, this variant is classified as Pathogenic.

Laboratory of Medical Genetics, National & Kapodistrian University of Athens
Classification: Pathogenic for Ellis-van Creveld syndrome. Last evaluated: 2024-02-01. Review status: criteria provided, single submitter. Criteria: ACMG Guidelines, 2015. Collection method: curation. Allele origin: germline. Affected: no.

Institute of Human Genetics Munich, TUM University Hospital
Classification: Pathogenic for Ellis-van Creveld syndrome. Last evaluated: 2017-12-09. Review status: criteria provided, single submitter. Criteria: Classification criteria August 2017. Collection method: clinical testing. Allele origin: maternal. Inheritance: Autosomal recessive inheritance. Affected: yes. Observed: 1 compound heterozygote.

Counsyl
Classification: Likely pathogenic for Ellis-van Creveld syndrome. Last evaluated: 2017-01-05. Review status: no assertion criteria provided. Collection method: clinical testing. Allele origin: unknown. Not counted in ClinVar's aggregate classification.

OMIM
Classification: Pathogenic for ELLIS-VAN CREVELD SYNDROME. Last evaluated: 2013-02-01. Review status: no assertion criteria provided. Collection method: literature only. Allele origin: germline. Not counted in ClinVar's aggregate classification.

OMIM
Classification: Pathogenic for WEYERS ACRODENTAL DYSOSTOSIS. Last evaluated: 2013-02-01. Review status: no assertion criteria provided. Collection method: literature only. Allele origin: germline. Not counted in ClinVar's aggregate classification.

Literature cited by the submitters: PubMed 10700184 (cited by 4 submitters); PubMed 29321360 (cited by Labcorp Genetics (formerly Invitae), Labcorp and Natera, Inc.); PubMed 17024374 (cited by Natera, Inc. and Counsyl); PubMed 23220543 (cited by 3 submitters); PubMed 7628126 (cited by OMIM).

NM_153717.3(EVC):c.919T>C (p.Ser307Pro)

Gene: EVC (EvC ciliary complex subunit 1; plus strand). Cytogenetic location: 4p16.2.
Variant type: single nucleotide variant.
Coding change: c.919T>C on transcript NM_153717.3 (MANE Select); coding-DNA position 919, T replaced by C.
Protein change: p.Ser307Pro; replaces serine 307 with proline.
Molecular consequence: missense variant.
Genome position (GRCh38, 1-based): chr4:5,745,321, T>C. VCF-style: chr4-5745321-T-C. GRCh37 (hg19) VCF-style: chr4-5747048-T-C.
Other names: c.919T>C, p.Ser307Pro (NM_001306090.2, NM_001306092.2); short protein forms S307P.
Identifiers: ClinVar variation 5343 (VCV000005343.24), dbSNP rs121908426, ClinGen allele CA117420.